The following is an entry in ClinVar:

NM_015155.3(LARP4B):c.142-8136G>T

Gene: LARP4B (La ribonucleoprotein 4B; minus strand). Cytogenetic location: 10p15.3.
Variant type: single nucleotide variant.
Coding change: c.142-8136G>T on transcript NM_015155.3 (MANE Select); 8136 bases into the intron before coding-DNA position 142, G replaced by T.
Molecular consequence: intron variant.
Genome position (GRCh38, 1-based): chr10:872,406, C>A on the plus strand (G>T on the coding strand, the complement: LARP4B is on the minus strand). VCF-style: chr10-872406-C-A. GRCh37 (hg19) VCF-style: chr10-918346-C-A.
Other names: c.142-8136G>T (NM_001351277.2).
Identifiers: ClinVar variation 2640269 (VCV002640269.24), dbSNP rs546894437, ClinGen allele CA201937180.

ClinVar aggregate classification (germline): Likely benign (1 of 4 stars; one submission).

Allele frequency attached by ClinVar (database versions not stated): 1000 Genomes Project 30x 0.00016; 1000 Genomes Project 0.00020; TOPMed 0.00066; gnomAD 0.00068.
gnomAD v4.1: 105 of 152,356 alleles (0.069%); highest among the groups gnomAD compares: Middle Eastern, 1.7%; 2 homozygotes.

Submission:

CeGaT Center for Human Genetics Tuebingen
Classification: Likely benign. Last evaluated: 2023-06-01. Review status: criteria provided, single submitter. Criteria: CeGaT Center For Human Genetics Tuebingen Variant Classification Criteria Version 2. Collection method: clinical testing. Allele origin: germline. Affected: yes. Observed: 2 variant alleles.
Comment: LARP4B: BP4, BS2